The following is an entry in ClinVar:

ClinVar aggregate classification (germline): Uncertain significance (1 of 4 stars; one submission).

Submission:

Ambry Genetics
Classification: Uncertain significance. Last evaluated: 2024-12-12. Review status: criteria provided, single submitter. Criteria: Ambry Variant Classification Scheme 2023. Collection method: clinical testing. Allele origin: germline.
Comment: The p.K1256E variant (also known as c.3766A>G), located in coding exon 16 of the WNK2 gene, results from an A to G substitution at nucleotide position 3766. The lysine at codon 1256 is replaced by glutamic acid, an amino acid with similar properties. This amino acid position is conserved. In addition, the in silico prediction for this alteration is inconclusive. Based on the available evidence, the clinical significance of this variant remains unclear.

NM_006648.4(WNK2):c.3766A>G (p.Lys1256Glu)

Gene: WNK2 (WNK lysine deficient protein kinase 2; plus strand). Cytogenetic location: 9q22.31.
Variant type: single nucleotide variant.
Coding change: c.3766A>G on transcript NM_006648.4 (MANE Select); coding-DNA position 3766, A replaced by G.
Protein change: p.Lys1256Glu; replaces lysine 1256 with glutamic acid.
Molecular consequence: missense variant.
Genome position (GRCh38, 1-based): chr9:93,267,815, A>G. VCF-style: chr9-93267815-A-G. GRCh37 (hg19) VCF-style: chr9-96030097-A-G.
Other names: c.3766A>G, p.Lys1256Glu (NM_001282394.3); short protein forms K1256E.
Identifiers: ClinVar variation 3816427 (VCV003816427.1).